The following is an entry in ClinVar:

NM_001164508.2(NEB):c.3255C>T (p.Asp1085=)

Gene: NEB (nebulin; minus strand). Cytogenetic location: 2q23.3.
Variant type: single nucleotide variant.
Coding change: c.3255C>T on transcript NM_001164508.2 (MANE Select); coding-DNA position 3255, C replaced by T.
Protein change: p.Asp1085=; no amino-acid change (aspartic acid 1085 retained).
Molecular consequence: synonymous variant.
Genome position (GRCh38, 1-based): chr2:151,679,721, G>A on the plus strand (C>T on the coding strand, the complement: NEB is on the minus strand). VCF-style: chr2-151679721-G-A. GRCh37 (hg19) VCF-style: chr2-152536235-G-A.
Other names: c.3255C>T, p.Asp1085= (NM_001164507.2, NM_001271208.2, NM_004543.5).
Identifiers: ClinVar variation 444522 (VCV000444522.55), dbSNP rs368625295, ClinGen allele CA1910963.

ClinVar aggregate classification (germline): Conflicting classifications of pathogenicity. Review status: criteria provided, conflicting classifications (1 of 4 stars). 7 submissions from 7 submitters: Uncertain significance (4); Likely benign (2). 1 of the submissions does not count toward it. Last evaluated 2024-07-02.

Conditions:
NEB-related disorder. Also called: NEB-Related Disorders; NEB-related condition.
Nemaline myopathy 2 (NEM2). Also called: Nemaline myopathy 2, autosomal recessive. Identifiers: MedGen C1850569, MONDO:0009725, OMIM 256030.

Allele frequency attached by ClinVar (database versions not stated): TOPMed 0.00061; 1000 Genomes Project 0.00180; 1000 Genomes Project 30x 0.00187; ESP Exome Variant Server 0.00008; ExAC 0.00016; gnomAD exomes 0.00016; gnomAD 0.00048 and 0.00050.
gnomAD v4.1: 226 of 1,365,930 alleles (0.017%); highest among the groups gnomAD compares: African/African-American, 0.13%; no homozygotes.

Submissions (7):

Blueprint Genetics
Classification: Likely benign. Last evaluated: 2024-07-02. Review status: criteria provided, single submitter. Criteria: ACMG Guidelines, 2015. Collection method: clinical testing. Allele origin: germline.

Revvity Omics, Revvity
Classification: Uncertain significance. Last evaluated: 2023-12-29. Review status: criteria provided, single submitter. Criteria: ACMG Guidelines, 2015. Collection method: clinical testing. Allele origin: germline.

Labcorp Genetics (formerly Invitae), Labcorp
Classification: Uncertain significance for Nemaline myopathy 2. Last evaluated: 2022-08-02. Review status: criteria provided, single submitter. Criteria: Invitae Variant Classification Sherloc (09022015). Collection method: clinical testing. Allele origin: germline.
Comment: This sequence change affects codon 1085 of the NEB mRNA. It is a 'silent' change, meaning that it does not change the encoded amino acid sequence of the NEB protein. It affects a nucleotide within the consensus splice site. This variant is present in population databases (rs368625295, gnomAD 0.1%). This variant has not been reported in the literature in individuals affected with NEB-related conditions. ClinVar contains an entry for this variant (Variation ID: 444522). Algorithms developed to predict the effect of sequence changes on RNA splicing suggest that this variant is not likely to affect RNA splicing. In summary, the available evidence is currently insufficient to determine the role of this variant in disease. Therefore, it has been classified as a Variant of Uncertain Significance.

Victorian Clinical Genetics Services, Murdoch Childrens Research Institute
Classification: Uncertain significance for Nemaline myopathy 2. Last evaluated: 2020-05-21. Review status: criteria provided, single submitter. Criteria: ACMG Guidelines, 2015. Collection method: clinical testing. Allele origin: germline. Inheritance: Autosomal recessive inheritance. Affected: yes.
Comment: A heterozygous synonymous variant was identified, NM_001271208.1(NEB):c.3255C>T in exon 32 of 183 of the NEB gene. While this substitution does not change an amino acid, it may create a splice site change leading to aberrant splicing. Further testing via RNA studies are required to confirm if splicing is altered. The nucleotide at this position has low conservation (PhyloP, UCSC). In silico software does not predict the splice site variant to cause aberrant splicing (NetGene2, Fruit fly, Human Splicing Finder). The variant is present in the gnomAD population database at a frequency of 0.018% (49 heterozygotes, 0 homozygotes). Within the African subpopulation, the variant has a frequency of 0.125% (30 heterozygotes, 0 homozygotes). It has been previously reported as a VUS (ClinVar). Based on information available at the time of curation, this variant has been classified as a VARIANT of UNKNOWN SIGNIFICANCE (VUS) with LOW CLINICAL RELEVANCE.

GeneDx
Classification: Likely benign. Last evaluated: 2018-04-13. Review status: criteria provided, single submitter. Criteria: GeneDx Variant Classification (06012015). Collection method: clinical testing. Allele origin: germline. Affected: yes.
Comment: This variant is considered likely benign or benign based on one or more of the following criteria: it is a conservative change, it occurs at a poorly conserved position in the protein, it is predicted to be benign by multiple in silico algorithms, and/or has population frequency not consistent with disease.

CeGaT Center for Human Genetics Tuebingen
Classification: Uncertain significance. Last evaluated: 2017-05-01. Review status: criteria provided, single submitter. Criteria: CeGaT Center For Human Genetics Tuebingen Variant Classification Criteria Version 2. Collection method: clinical testing. Allele origin: germline. Affected: yes. Observed: 1 variant allele.

PreventionGenetics, part of Exact Sciences
Classification: Likely benign for NEB-related condition. Last evaluated: 2024-09-08. Review status: no assertion criteria provided. Collection method: clinical testing. Allele origin: germline. Not counted in ClinVar's aggregate classification.
Comment: This variant is classified as likely benign based on ACMG/AMP sequence variant interpretation guidelines (Richards et al. 2015 PMID: 25741868, with internal and published modifications).